The following is an entry in ClinVar:

ClinVar aggregate classification (germline): Conflicting classifications of pathogenicity. Review status: criteria provided, conflicting classifications (1 of 4 stars). 5 submissions from 5 submitters: Uncertain significance (2); Likely benign (3). Last evaluated 2026-01-24.

Conditions:
Thrombocytopenia 2 (THC2). Also called: ANKRD26-Related Thrombocytopenia. Identifiers: Orphanet 268322, MedGen C1861185, MONDO:0008555, OMIM 188000.

Allele frequency attached by ClinVar (database versions not stated): TOPMed 0.00001; ExAC 0.00012.

Submissions (5):

Labcorp Genetics (formerly Invitae), Labcorp
Classification: Likely benign. Last evaluated: 2026-01-24. Review status: criteria provided, single submitter. Criteria: Invitae Variant Classification Sherloc (09022015). Collection method: clinical testing. Allele origin: germline.

GeneDx
Classification: Uncertain significance. Last evaluated: 2025-01-06. Review status: criteria provided, single submitter. Criteria: GeneDx Variant Classification Process June 2021. Collection method: clinical testing. Allele origin: germline.
Comment: In silico analysis supports that this missense variant has a deleterious effect on protein structure/function; Has not been previously published as pathogenic or benign to our knowledge

Dr.Nikuei Genetic Center
Classification: Likely benign for Thrombocytopenia 2. Last evaluated: 2024-06-27. Review status: criteria provided, single submitter. Criteria: ACMG Guidelines, 2015. Collection method: clinical testing. Allele origin: germline. Affected: no.

Blueprint Genetics
Classification: Likely benign. Last evaluated: 2022-03-30. Review status: criteria provided, single submitter. Criteria: ACMG Guidelines, 2015. Collection method: clinical testing. Allele origin: germline.

Genetic Services Laboratory, University of Chicago
Classification: Uncertain significance. Last evaluated: 2021-04-08. Review status: criteria provided, single submitter. Criteria: ACMG Guidelines, 2015. Collection method: clinical testing. Allele origin: germline. Affected: no.
Comment: DNA sequence analysis of the ANKRD26 gene demonstrated a sequence change, c.3710T>C, in exon 25 that results in an amino acid change, p.Met1237Thr. This sequence change has been described in gnomAD with a frequency of 0.078% in South Asian sub-population (dbSNP rs760695730). The p.Met1237Thr change affects a highly conserved amino acid residue located in a domain of the ANKRD26 protein that is not known to be functional. In-silico pathogenicity prediction tools (SIFT, PolyPhen2, Align GVGD, REVEL) provide contradictory results for the p.Met1237Thr substitution. This sequence change does not appear to have been previously described in patients with ANKRD26-related disorders. Due the lack of sufficient evidences, the clinical significance of the p.Met1237Thr change remains unknown at this time.

NM_014915.3(ANKRD26):c.3710T>C (p.Met1237Thr)

Gene: ANKRD26 (ankyrin repeat domain 26; minus strand). Cytogenetic location: 10p12.1.
Variant type: single nucleotide variant.
Coding change: c.3710T>C on transcript NM_014915.3 (MANE Select); coding-DNA position 3710, T replaced by C.
Protein change: p.Met1237Thr; replaces methionine 1237 with threonine.
Molecular consequence: missense variant.
Genome position (GRCh38, 1-based): chr10:27,033,322, A>G on the plus strand (T>C on the coding strand, the complement: ANKRD26 is on the minus strand). VCF-style: chr10-27033322-A-G. GRCh37 (hg19) VCF-style: chr10-27322251-A-G.
Other names: c.3707T>C, p.Met1236Thr (NM_001256053.2); short protein forms M1236T, M1237T.
Identifiers: ClinVar variation 1337895 (VCV001337895.9), dbSNP rs760695730, ClinGen allele CA5447975.